The following is an entry in ClinVar:

NM_001103.4(ACTN2):c.674T>C (p.Ile225Thr)

Gene: ACTN2 (actinin alpha 2; plus strand). Cytogenetic location: 1q43.
Variant type: single nucleotide variant.
Coding change: c.674T>C on transcript NM_001103.4 (MANE Select); coding-DNA position 674, T replaced by C.
Protein change: p.Ile225Thr; replaces isoleucine 225 with threonine.
Molecular consequence: missense variant. On other transcripts: non-coding transcript variant (1).
Genome position (GRCh38, 1-based): chr1:236,731,291, T>C. VCF-style: chr1-236731291-T-C. GRCh37 (hg19) VCF-style: chr1-236894591-T-C.
Other names: c.674T>C (NM_001103.2); c.674T>C, p.Ile225Thr (NM_001278343.2); c.-148T>C (NM_001278344.2); c.-273T>C (NM_001412150.1); short protein forms I225T.
Identifiers: ClinVar variation 2922672 (VCV002922672.4), dbSNP rs1553301462, ClinGen allele CA345375893.
Genomic context (GRCh38, chr1:236,731,291, plus strand): 5'-AGGATGACCCCATAGGAAATATTAACCTGGCCATGGAAATCGCTGAGAAGCACCTGGATA[T>C]TCCTAAAATGTTGGATGCTGAAGGTGAGATGAAAATTGTGTTTGCTGAGTTACAGGAAAT-3'
Protein context (NP_001094.1, residues 215-235): AMEIAEKHLD[Ile225Thr]PKMLDAEDIV

ClinVar aggregate classification (germline): Uncertain significance. Review status: criteria provided, multiple submitters, no conflicts (2 of 4 stars). 2 submissions from 2 submitters: Uncertain significance (2). Last evaluated 2025-05-22.

Conditions:
Dilated cardiomyopathy 1AA (CMD1AA). Also called: Cardiomyopathy, dilated, 1AA, with or without LVNC; CARDIOMYOPATHY, DILATED, 1AA, WITH OR WITHOUT LEFT VENTRICULAR NONCOMPACTION; CARDIOMYOPATHY, FAMILIAL HYPERTROPHIC, 23, WITH OR WITHOUT LEFT VENTRICULAR NONCOMPACTION. Identifiers: Orphanet 154, MedGen C2677338, MONDO:0012808, OMIM 612158.
Primary familial hypertrophic cardiomyopathy (HCM). Identifiers: Orphanet 99739, MedGen C0949658, MeSH D024741, MONDO:0024573. Inheritance: Various modes of inheritance.
Cardiovascular phenotype. Identifiers: MedGen CN230736.

Allele frequency attached by ClinVar (database versions not stated): gnomAD exomes below 0.00001; gnomAD 0.00001.
gnomAD v4.1: 2 of 1,613,742 alleles (0.00012%); highest among the groups gnomAD compares: Admixed American, 0.0033%; no homozygotes.

Submissions (2):

Labcorp Genetics (formerly Invitae), Labcorp
Classification: Uncertain significance for Primary familial hypertrophic cardiomyopathy; Dilated cardiomyopathy 1AA. Last evaluated: 2025-05-22. Review status: criteria provided, single submitter. Criteria: Invitae Variant Classification Sherloc (09022015). Collection method: clinical testing. Allele origin: germline.
Comment: This sequence change replaces isoleucine, which is neutral and non-polar, with threonine, which is neutral and polar, at codon 225 of the ACTN2 protein (p.Ile225Thr). This variant is not present in population databases (gnomAD no frequency). This variant has not been reported in the literature in individuals affected with ACTN2-related conditions. ClinVar contains an entry for this variant (Variation ID: 2922672). Invitae Evidence Modeling of protein sequence and biophysical properties (such as structural, functional, and spatial information, amino acid conservation, physicochemical variation, residue mobility, and thermodynamic stability) indicates that this missense variant is expected to disrupt ACTN2 protein function with a positive predictive value of 80%. In summary, the available evidence is currently insufficient to determine the role of this variant in disease. Therefore, it has been classified as a Variant of Uncertain Significance.

Ambry Genetics
Classification: Uncertain significance for Cardiovascular phenotype. Last evaluated: 2024-11-27. Review status: criteria provided, single submitter. Criteria: Ambry Variant Classification Scheme 2023. Collection method: clinical testing. Allele origin: germline.
Comment: The p.I225T variant (also known as c.674T>C), located in coding exon 7 of the ACTN2 gene, results from a T to C substitution at nucleotide position 674. The isoleucine at codon 225 is replaced by threonine, an amino acid with similar properties. This amino acid position is highly conserved in available vertebrate species. In addition, this alteration is predicted to be deleterious by in silico analysis. Based on the available evidence, the clinical significance of this variant remains unclear.